The following is an entry in ClinVar:

ClinVar aggregate classification (germline): Likely pathogenic (1 of 4 stars; one submission).

Conditions:
Hirschsprung disease-ganglioneuroblastoma syndrome. Also called: Neuroblastoma with Hirschsprung disease. Identifiers: Orphanet 2151, MedGen C5191058, MONDO:0013082.

Submission:

Dasa
Classification: Likely pathogenic for Hirschsprung disease-ganglioneuroblastoma syndrome. Last evaluated: 2024-12-19. Review status: criteria provided, single submitter. Criteria: DASA Assertion Criteria. Collection method: clinical testing. Allele origin: germline.
Comment: NM_003924.4(PHOX2B):c.509del (p.Gly170Alafs*139) is a frameshift variant in PHOX2B predicted to alter the reading frame and introduce a premature termination codon and is predicted to result in an absent or altered protein product. Loss of function is an established disease mechanism for PHOX2B (PMID: 33958749; PMID: 21830319; PMID: 28371199). Also, this variant is absent from population databases. Based on the currently available evidence, this variant is classified as likely pathogenic.

Literature cited by the submitters: PubMed 33958749; PubMed 21830319; PubMed 28371199.

NM_003924.4(PHOX2B):c.509del (p.Gly170fs)

Gene: PHOX2B (paired like homeobox 2B; minus strand). Cytogenetic location: 4p13.
Variant type: Deletion.
Coding change: c.509del on transcript NM_003924.4 (MANE Select); coding-DNA position 509, one base deleted (G; older notation c.509delG).
Protein change: p.Gly170fs; shifts the reading frame from glycine 170.
Molecular consequence: frameshift variant.
Genome position (GRCh38, 1-based): chr4:41,746,243, C deleted on the plus strand (G on the coding strand, the reverse complement: PHOX2B is on the minus strand); the first of 2 consecutive C bases (chr4:41,746,243-41,746,244); deleting either gives the same sequence. VCF-style (leftmost placement, unchanged base first): chr4-41746242-GC-G. GRCh37 (hg19) VCF-style: chr4-41748259-GC-G.
Other names: short protein forms G170fs.
Identifiers: ClinVar variation 4884236 (VCV004884236.2).